The following is an entry in ClinVar:

ClinVar aggregate classification (germline): Uncertain significance (0 of 4 stars; one submission).

Conditions:
TTN-related disorder. Also called: TTN-related condition; TTN-related disease; TTN-related disorders.

Submission:

PreventionGenetics, part of Exact Sciences
Classification: Uncertain significance for TTN-related condition. Last evaluated: 2024-03-23. Review status: no assertion criteria provided. Collection method: clinical testing. Allele origin: germline.
Comment: The TTN c.1528C>T variant is predicted to result in the amino acid substitution p.His510Tyr. To our knowledge, this variant has not been reported in the literature or in a large population database, indicating this variant is rare. At this time, the clinical significance of this variant is uncertain due to the absence of conclusive functional and genetic evidence.

NM_001267550.2(TTN):c.1528C>T (p.His510Tyr)

Gene: TTN (titin; minus strand). Cytogenetic location: 2q31.2.
Variant type: single nucleotide variant.
Coding change: c.1528C>T on transcript NM_001267550.2 (MANE Select); coding-DNA position 1528, C replaced by T.
Protein change: p.His510Tyr; replaces histidine 510 with tyrosine.
Molecular consequence: missense variant.
Genome position (GRCh38, 1-based): chr2:178,793,412, G>A on the plus strand (C>T on the coding strand, the complement: TTN is on the minus strand). VCF-style: chr2-178793412-G-A. GRCh37 (hg19) VCF-style: chr2-179658139-G-A.
Other names: c.1528C>T, p.His510Tyr (NM_003319.4, NM_133378.4, NM_133379.5 and 3 more transcripts); short protein forms H510Y.
Identifiers: ClinVar variation 3355546 (VCV003355546.1).